The following is an entry in ClinVar:

NM_001330677.2(TBX15):c.168G>C (p.Thr56=)

Gene: TBX15 (T-box transcription factor 15; minus strand). Cytogenetic location: 1p12.
Variant type: single nucleotide variant.
Coding change: c.168G>C on transcript NM_001330677.2 (MANE Select); coding-DNA position 168, G replaced by C.
Protein change: p.Thr56=; no amino-acid change (threonine 56 retained).
Molecular consequence: synonymous variant. On other transcripts: intron variant (1).
Genome position (GRCh38, 1-based): chr1:118,987,628, C>G on the plus strand (G>C on the coding strand, the complement: TBX15 is on the minus strand). VCF-style: chr1-118987628-C-G. GRCh37 (hg19) VCF-style: chr1-119530251-C-G.
Other names: c.-114+1727G>C (NM_152380.3).
Identifiers: ClinVar variation 3043639 (VCV003043639.2), dbSNP rs576946011, ClinGen allele CA1035135.

ClinVar aggregate classification (germline): Likely benign (0 of 4 stars; one submission).

Conditions:
TBX15-related disorder. Also called: TBX15-related condition.

Allele frequency attached by ClinVar (database versions not stated): 1000 Genomes Project 0.00160; 1000 Genomes Project 30x 0.00187.
gnomAD v4.1: 364 of 1,549,752 alleles (0.023%); highest among the groups gnomAD compares: African/African-American, 0.46%; 2 homozygotes.

Submission:

PreventionGenetics, part of Exact Sciences
Classification: Likely benign for TBX15-related condition. Last evaluated: 2020-10-05. Review status: no assertion criteria provided. Collection method: clinical testing. Allele origin: germline.
Comment: This variant is classified as likely benign based on ACMG/AMP sequence variant interpretation guidelines (Richards et al. 2015 PMID: 25741868, with internal and published modifications).